The following is an entry in ClinVar:

ClinVar aggregate classification (germline): Uncertain significance. Review status: criteria provided, multiple submitters, no conflicts (2 of 4 stars). 10 submissions from 10 submitters: Uncertain significance (9). 1 of the submissions does not count toward it. Last evaluated 2026-01-16.

Conditions:
Hereditary cancer-predisposing syndrome. Also called: Tumor predisposition; Hereditary neoplastic syndrome; Neoplastic Syndromes, Hereditary; Hereditary Cancer Syndrome. Identifiers: Orphanet 140162, MedGen C0027672, MeSH D009386, MONDO:0015356.
Familial cancer of breast. Also called: hereditary breast carcinoma; Hereditary breast cancer; BREAST CANCER, FAMILIAL. Identifiers: Orphanet 227535, MedGen C0346153, MONDO:0016419, OMIM 114480. Disease mechanism: loss of function.
Ataxia-telangiectasia syndrome (AT). Also called: Ataxia-telangiectasia, complementation group E; AT, COMPLEMENTATION GROUP C; ATAXIA-TELANGIECTASIA, COMPLEMENTATION GROUP A; ATAXIA-TELANGIECTASIA, FRESNO VARIANT; Ataxia-telangiectasia; LOUIS-BAR SYNDROME. Identifiers: Orphanet 100, MedGen C0004135, MONDO:0008840, OMIM 208900.

Allele frequency attached by ClinVar (database versions not stated): gnomAD exomes below 0.00001; gnomAD 0.00001; TOPMed 0.00001.
gnomAD v4.1: 6 of 1,613,726 alleles (0.00037%); highest among the groups gnomAD compares: Non-Finnish European, 0.00051%; no homozygotes.

Submissions (10):

Labcorp Genetics (formerly Invitae), Labcorp
Classification: Uncertain significance for Ataxia-telangiectasia syndrome. Last evaluated: 2026-01-16. Review status: criteria provided, single submitter. Criteria: Invitae Variant Classification Sherloc (09022015). Collection method: clinical testing. Allele origin: germline.
Comment: This sequence change replaces methionine, which is neutral and non-polar, with valine, which is neutral and non-polar, at codon 94 of the ATM protein (p.Met94Val). This variant is present in population databases (no rsID available, gnomAD 0.0009%). This missense change has been observed in individual(s) with breast cancer and/or neuroblastoma (PMID: 25186627, 26580448). ClinVar contains an entry for this variant (Variation ID: 221134). Invitae Evidence Modeling of protein sequence and biophysical properties (such as structural, functional, and spatial information, amino acid conservation, physicochemical variation, residue mobility, and thermodynamic stability) indicates that this missense variant is not expected to disrupt ATM protein function with a negative predictive value of 95%. In summary, the available evidence is currently insufficient to determine the role of this variant in disease. Therefore, it has been classified as a Variant of Uncertain Significance.

Ambry Genetics
Classification: Uncertain significance for Hereditary cancer-predisposing syndrome. Last evaluated: 2025-12-09. Review status: criteria provided, single submitter. Criteria: Ambry Variant Classification Scheme 2023. Collection method: clinical testing. Allele origin: germline.
Comment: The p.M94V variant (also known as c.280A>G), located in coding exon 3 of the ATM gene, results from an A to G substitution at nucleotide position 280. The methionine at codon 94 is replaced by valine, an amino acid with highly similar properties. This variant has been reported in 1/1120 pediatric cancer patients who underwent whole genome sequencing and/or whole exome sequencing; this patient was diagnosed with neuroblastoma (Zhang J et al. N Engl J Med, 2015 Dec;373:2336-2346). This amino acid position is highly conserved in available vertebrate species. In addition, the in silico prediction for this alteration is inconclusive. Since supporting evidence is limited at this time, the clinical significance of this alteration remains unclear.

Center for Genomic Medicine, Rigshospitalet, Copenhagen University Hospital
Classification: Uncertain significance. Last evaluated: 2025-03-04. Review status: criteria provided, single submitter. Criteria: ACMG Guidelines, 2015. Collection method: clinical testing. Allele origin: germline.

Baylor Genetics
Classification: Uncertain significance for Familial cancer of breast. Last evaluated: 2023-09-28. Review status: criteria provided, single submitter. Criteria: ACMG Guidelines, 2015. Collection method: clinical testing. Allele origin: unknown.

Institute of Human Genetics, University of Leipzig Medical Center
Classification: Uncertain significance for Familial cancer of breast. Last evaluated: 2023-08-22. Review status: criteria provided, single submitter. Criteria: ACMG Guidelines, 2015. Collection method: clinical testing. Allele origin: unknown. Inheritance: Autosomal dominant inheritance. Affected: yes.
Comment: Criteria applied: PM2_SUP,BP4

Color Diagnostics, LLC DBA Color Health
Classification: Uncertain significance for Hereditary cancer-predisposing syndrome. Last evaluated: 2023-07-19. Review status: criteria provided, single submitter. Criteria: ACMG Guidelines, 2015. Collection method: clinical testing. Allele origin: germline.
Comment: This missense variant replaces methionine with valine at codon 94 of the ATM protein. Computational prediction suggests that this variant may not impact protein structure and function (internally defined REVEL score threshold <= 0.5, PMID: 27666373). To our knowledge, functional studies have not been reported for this variant. This variant has been reported in an individual affected with Lynch syndrome-associated cancer and/or polyps (PMID: 25980754). This variant has been identified in 1/251076 chromosomes in the general population by the Genome Aggregation Database (gnomAD). The available evidence is insufficient to determine the role of this variant in disease conclusively. Therefore, this variant is classified as a Variant of Uncertain Significance.

Women's Health and Genetics/Laboratory Corporation of America, LabCorp
Classification: Uncertain significance. Last evaluated: 2023-02-21. Review status: criteria provided, single submitter. Criteria: LabCorp Variant Classification Summary - May 2015. Collection method: clinical testing. Allele origin: germline.
Comment: Variant summary: ATM c.280A>G (p.Met94Val) results in a conservative amino acid change located in the Telomere-length maintenance and DNA damage repair (IPR021668) of the encoded protein sequence. Four of five in-silico tools predict a benign effect of the variant on protein function. The variant allele was found at a frequency of 4e-06 in 251076 control chromosomes. The available data on variant occurrences in the general population are insufficient to allow any conclusion about variant significance. c.280A>G has been reported in the literature in individuals affected with Breast Cancer, Lynch Syndrome and Neuroblastoma (Tung_2015, Yurgelun_2015, Zhang_2015) without strong evidence for causality. These reports do not provide unequivocal conclusions about association of the variant with Breast Cancer. To our knowledge, no experimental evidence demonstrating an impact on protein function has been reported. Six clinical diagnostic laboratories have submitted clinical-significance assessments for this variant to ClinVar after 2014 without evidence for independent evaluation. All laboratories classified the variant as uncertain significance. Based on the evidence outlined above, the variant was classified as uncertain significance.

GeneDx
Classification: Uncertain significance. Last evaluated: 2021-11-22. Review status: criteria provided, single submitter. Criteria: GeneDx Variant Classification Process June 2021. Collection method: clinical testing. Allele origin: germline. Affected: yes.
Comment: This variant is associated with the following publications: (PMID: 25980754, 25186627)

Institute for Clinical Genetics, University Hospital TU Dresden, University Hospital TU Dresden
Classification: Uncertain significance. Last evaluated: 2021-11-03. Review status: criteria provided, single submitter. Criteria: ACMG Guidelines, 2015. Collection method: clinical testing. Allele origin: germline.

Natera, Inc.
Classification: Uncertain significance for Ataxia-telangiectasia. Last evaluated: 2020-11-04. Review status: no assertion criteria provided. Collection method: clinical testing. Allele origin: germline. Not counted in ClinVar's aggregate classification.

Literature cited by the submitters: PubMed 25186627 (cited by 3 submitters); PubMed 26580448 (cited by 4 submitters); PubMed 25980754 (cited by Color Diagnostics, LLC DBA Color Health and Women's Health and Genetics/Laboratory Corporation of America, LabCorp).

NM_000051.4(ATM):c.280A>G (p.Met94Val)

Gene: ATM (ATM serine/threonine kinase; plus strand). Cytogenetic location: 11q22.3.
Variant type: single nucleotide variant.
Coding change: c.280A>G on transcript NM_000051.4 (MANE Select); coding-DNA position 280, A replaced by G.
Protein change: p.Met94Val; replaces methionine 94 with valine.
Molecular consequence: missense variant.
Genome position (GRCh38, 1-based): chr11:108,229,272, A>G. VCF-style: chr11-108229272-A-G. GRCh37 (hg19) VCF-style: chr11-108099999-A-G.
Other names: c.280A>G, p.Met94Val (NM_001351834.2, NM_001351835.2, NM_001351836.2); short protein forms M94V.
Identifiers: ClinVar variation 221134 (VCV000221134.42), dbSNP rs864622758, ClinGen allele CA349058.